The following is an entry in ClinVar:

ClinVar aggregate classification (germline): Pathogenic (1 of 4 stars; one submission).

Submission:

GeneDx
Classification: Pathogenic. Last evaluated: 2015-05-19. Review status: criteria provided, single submitter. Criteria: GeneDx Variant Classification (06012015). Collection method: clinical testing. Allele origin: germline. Affected: yes.
Comment: The S14Y missense variant in the BTK gene has been reported previously in association withagammaglobulinemia (Lee et al., 2010). Missense variantsat the same codon (S14F) and in nearbyresidues (K12R, L11P, K17E) have been reported in the Human Gene Mutation Database in association withagammaglobulinemia (Stenson et al., 2014), supporting the functional importance of this region of the protein.The S14Y substitution was not observed in approximately 6,000 individuals of European and African Americanancestry in the NHLBI Exome Sequencing Project, indicating it is not a common benign variant in thesepopulations. The S14Y variant is considered pathogenic.

NM_000061.3(BTK):c.41C>A (p.Ser14Tyr)

Gene: BTK (Bruton tyrosine kinase; minus strand). Cytogenetic location: Xq22.1.
Variant type: single nucleotide variant.
Coding change: c.41C>A on transcript NM_000061.3 (MANE Select); coding-DNA position 41, C replaced by A.
Protein change: p.Ser14Tyr; replaces serine 14 with tyrosine.
Molecular consequence: missense variant.
Genome position (GRCh38, 1-based): chrX:101,375,244, G>T on the plus strand (C>A on the coding strand, the complement: BTK is on the minus strand). VCF-style: chrX-101375244-G-T. GRCh37 (hg19) VCF-style: chrX-100630232-G-T.
Other names: c.143C>A, p.Ser48Tyr (NM_001287344.2); c.41C>A, p.Ser14Tyr (NM_001287345.2); short protein forms S14Y, S48Y.
Identifiers: ClinVar variation 379662 (VCV000379662.2), dbSNP rs1057520682, ClinGen allele CA16608230.